The following is an entry in ClinVar:

ClinVar aggregate classification (germline): Uncertain significance (1 of 4 stars; one submission).

Conditions:
Inborn genetic diseases. Identifiers: MedGen C0950123, MeSH D030342.

Submission:

Ambry Genetics
Classification: Uncertain significance for Inborn genetic diseases. Last evaluated: 2025-06-03. Review status: criteria provided, single submitter. Criteria: Ambry Variant Classification Scheme 2023. Collection method: clinical testing. Allele origin: germline.
Comment: The c.3378_3401del24 (p.L1127_G1134del) alteration is located in exon 5 (coding exon 4) of the NSD1 gene. This alteration consists of an in-frame deletion of 24 nucleotides between nucleotide positions c.3378 and c.3401, resulting in the deletion of 8 residues. Based on insufficient or conflicting evidence, the clinical significance of this alteration remains unclear.

NM_022455.5(NSD1):c.3378_3401del (p.Leu1127_Gly1134del)

Gene: NSD1 (nuclear receptor binding SET domain protein 1; plus strand). Cytogenetic location: 5q35.3.
Variant type: Deletion.
Coding change: c.3378_3401del on transcript NM_022455.5 (MANE Select); coding-DNA positions 3378 to 3401, 24 bases deleted (ACTCTCTTTTGAAAACGGAAAAGG).
Protein change: p.Leu1127_Gly1134del.
Genome position (GRCh38, 1-based): chr5:177,211,777-177,211,800, ACTCTCTTTTGAAAACGGAAAAGG deleted; deleting any 24 consecutive bases within chr5:177,211,771-177,211,800 gives the same sequence; the c. name uses the placement nearest the transcript's 3' end. VCF-style (leftmost placement, unchanged base first): chr5-177211770-AAAAAGGACTCTCTTTTGAAAACGG-A. GRCh37 (hg19) VCF-style: chr5-176638771-AAAAAGGACTCTCTTTTGAAAACGG-A.
Other names: c.2505_2528del, p.Leu836_Gly843del (NM_001365684.2, NM_001409306.1, NM_001409307.1 and 3 more transcripts); c.3378_3401del, p.Leu1127_Gly1134del (NM_001409301.1, NM_001409302.1, NM_001409303.1); c.2958_2981del, p.Leu987_Gly994del (NM_001409304.1); c.2625_2648del, p.Leu876_Gly883del (NM_001409305.1).
Identifiers: ClinVar variation 3922015 (VCV003922015.1).